The following is an entry in ClinVar:

NM_000939.4(POMC):c.729C>T (p.Ser243=)

Gene: POMC (proopiomelanocortin; minus strand). Cytogenetic location: 2p23.3.
Variant type: single nucleotide variant.
Coding change: c.729C>T on transcript NM_000939.4 (MANE Select); coding-DNA position 729, C replaced by T.
Protein change: p.Ser243=; no amino-acid change (serine 243 retained).
Molecular consequence: synonymous variant.
Genome position (GRCh38, 1-based): chr2:25,161,156, G>A on the plus strand (C>T on the coding strand, the complement: POMC is on the minus strand). VCF-style: chr2-25161156-G-A. GRCh37 (hg19) VCF-style: chr2-25384025-G-A.
Other names: c.729C>T, p.Ser243= (NM_001035256.3, NM_001319204.2, NM_001319205.2).
Identifiers: ClinVar variation 3055667 (VCV003055667.2), dbSNP rs766097368, ClinGen allele CA1555227.

ClinVar aggregate classification (germline): Likely benign (0 of 4 stars; one submission).

Conditions:
POMC-related disorder. Also called: POMC-related disorders; POMC-related condition.

Allele frequency attached by ClinVar (database versions not stated): ExAC 0.00001; gnomAD 0.00001; gnomAD exomes 0.00003.
gnomAD v4.1: 47 of 1,613,792 alleles (0.0029%); highest among the groups gnomAD compares: Admixed American, 0.005%; no homozygotes.

Submission:

PreventionGenetics, part of Exact Sciences
Classification: Likely benign for POMC-related condition. Last evaluated: 2023-03-14. Review status: no assertion criteria provided. Collection method: clinical testing. Allele origin: germline.
Comment: This variant is classified as likely benign based on ACMG/AMP sequence variant interpretation guidelines (Richards et al. 2015 PMID: 25741868, with internal and published modifications).